The following is an entry in ClinVar:

ClinVar aggregate classification (germline): Uncertain significance (1 of 4 stars; one submission).

Submission:

Labcorp Genetics (formerly Invitae), Labcorp
Classification: Uncertain significance. Last evaluated: 2021-12-13. Review status: criteria provided, single submitter. Criteria: Invitae Variant Classification Sherloc (09022015). Collection method: clinical testing. Allele origin: germline.
Comment: The frequency data for this variant in the population databases is considered unreliable, as metrics indicate poor data quality at this position in the gnomAD database. In summary, the available evidence is currently insufficient to determine the role of this variant in disease. Therefore, it has been classified as a Variant of Uncertain Significance. Experimental studies and prediction algorithms are not available or were not evaluated, and the functional significance of this variant is currently unknown. This variant has not been reported in the literature in individuals affected with TONSL-related conditions. This variant, c.4122_4124del, results in the deletion of 1 amino acid(s) of the TONSL protein (p.Phe1375del), but otherwise preserves the integrity of the reading frame.

NM_013432.5(TONSL):c.4119CTT[1] (p.Phe1375del)

Gene: TONSL (tonsoku like, DNA repair protein; minus strand). Cytogenetic location: 8q24.3.
Variant type: Microsatellite.
Coding change: c.4119CTT[1] on transcript NM_013432.5 (MANE Select); one copy of the 3-base unit CTT starting at c.4119; the reference has two copies in a row; one copy, 3 bases deleted.
Protein change: p.Phe1375del; deletes phenylalanine 1375.
Molecular consequence: inframe deletion.
Genome position (GRCh38, 1-based): chr8:144,429,156-144,429,158, AAG deleted on the plus strand (CTT on the coding strand, the reverse complement: TONSL is on the minus strand); deleting any 3 consecutive bases within chr8:144,429,156-144,429,162 gives the same sequence; the position shown is the placement nearest the transcript's 3' end. VCF-style (leftmost placement, unchanged base first): chr8-144429155-AAAG-A. GRCh37 (hg19) VCF-style: chr8-145654538-AAAG-A.
Other names: short protein forms F1375del.
Identifiers: ClinVar variation 2041826 (VCV002041826.4), dbSNP rs782166747, ClinGen allele CA4942309.
Genomic context (GRCh38, chr8:144,429,155, plus strand): 5'-TTCATTTATTAGGGGCTTCGGTGAGGGTGGGGAAAGGCAGCGCCAGGGTCAGAGGCGCCG[AAAG>A]AAGAGCTTGGAGCCGTGGTCCAGCGTGCACTCGCCGGGGCCCGGCCGACTGGGCTGCAGC-3'